The following is an entry in ClinVar:

ClinVar aggregate classification (germline): Benign/Likely benign. Review status: criteria provided, multiple submitters, no conflicts (2 of 4 stars). 3 submissions from 3 submitters: Benign (1); Likely benign (2). Last evaluated 2026-04-22.

Conditions:
Colorectal cancer, susceptibility to, 1. Also called: COLORECTAL ADENOMA AND CANCER, SUSCEPTIBILITY TO; COLORECTAL CANCER, SUSCEPTIBILITY TO, ON CHROMOSOME 9. Identifiers: MedGen C1837315, MONDO:0012132, OMIM 608812.

Submissions (3):

Myriad Genetics, Inc.
Classification: Benign for Colorectal cancer, susceptibility to, 1. Last evaluated: 2026-04-22. Review status: criteria provided, single submitter. Criteria: Myriad Autosomal Dominant, Autosomal Recessive and X-Linked Classification Criteria (2023). Collection method: clinical testing. Allele origin: unknown.
Comment: This variant is considered benign. This variant is a silent/synonymous amino acid change and it is not expected to impact splicing.

Labcorp Genetics (formerly Invitae), Labcorp
Classification: Likely benign. Last evaluated: 2025-03-12. Review status: criteria provided, single submitter. Criteria: Invitae Variant Classification Sherloc (09022015). Collection method: clinical testing. Allele origin: germline.

Ambry Genetics
Classification: Likely benign. Last evaluated: 2017-12-27. Review status: criteria provided, single submitter. Criteria: Ambry Variant Classification Scheme 2023. Collection method: clinical testing. Allele origin: germline.

NM_024642.5(GALNT12):c.51C>T (p.Gly17=)

Genes: GALNT12 (polypeptide N-acetylgalactosaminyltransferase 12; plus strand), LOC130002222 (ATAC-STARR-seq lymphoblastoid silent region 20123; plus strand). Cytogenetic location: 9q22.33.
Variant type: single nucleotide variant.
Coding change: c.51C>T on transcript NM_024642.5 (MANE Select); coding-DNA position 51, C replaced by T.
Protein change: p.Gly17=; no amino-acid change (glycine 17 retained).
Molecular consequence: synonymous variant.
Genome position (GRCh38, 1-based): chr9:98,807,749, C>T. VCF-style: chr9-98807749-C-T. GRCh37 (hg19) VCF-style: chr9-101570031-C-T.
Identifiers: ClinVar variation 825539 (VCV000825539.13), dbSNP rs1588436072, ClinGen allele CA466423683.